The following is an entry in ClinVar:

NM_001242896.3(DEPDC5):c.784G>T (p.Glu262Ter)

Gene: DEPDC5 (DEP domain containing 5, GATOR1 subcomplex subunit; plus strand). Cytogenetic location: 22q12.2.
Variant type: single nucleotide variant.
Coding change: c.784G>T on transcript NM_001242896.3 (MANE Select); coding-DNA position 784, G replaced by T.
Protein change: p.Glu262Ter; replaces glutamic acid 262 with a stop codon.
Molecular consequence: nonsense. On other transcripts: non-coding transcript variant (5).
Genome position (GRCh38, 1-based): chr22:31,797,616, G>T. VCF-style: chr22-31797616-G-T. GRCh37 (hg19) VCF-style: chr22-32193602-G-T.
Other names: c.784G>T, p.Glu262Ter (NM_001007188.4, NM_001136029.4, NM_001242897.2 and 7 more transcripts); c.700G>T, p.Glu234Ter (NM_001369901.1, NM_001369902.1); short protein forms E234*, E262*.
Identifiers: ClinVar variation 1993811 (VCV001993811.4), dbSNP rs2518735622, ClinGen allele CA411290499.

ClinVar aggregate classification (germline): Pathogenic (1 of 4 stars; one submission).

Conditions:
Familial focal epilepsy with variable foci (FPEVF). Identifiers: Orphanet 98820, MedGen C1858477, MONDO:0020310.

Submission:

Labcorp Genetics (formerly Invitae), Labcorp
Classification: Pathogenic for Familial focal epilepsy with variable foci. Last evaluated: 2022-05-12. Review status: criteria provided, single submitter. Criteria: Invitae Variant Classification Sherloc (09022015). Collection method: clinical testing. Allele origin: germline.
Comment: For these reasons, this variant has been classified as Pathogenic. This variant has not been reported in the literature in individuals affected with DEPDC5-related conditions. This variant is not present in population databases (gnomAD no frequency). This sequence change creates a premature translational stop signal (p.Glu262*) in the DEPDC5 gene. It is expected to result in an absent or disrupted protein product. Loss-of-function variants in DEPDC5 are known to be pathogenic (PMID: 23542697, 23542701).

Literature cited by the submitters: PubMed 23542697; PubMed 23542701.